The following is an entry in ClinVar:

ClinVar aggregate classification (germline): Uncertain significance (1 of 4 stars; one submission).

Conditions:
Dilated cardiomyopathy 1O (CMD1O). Also called: CARDIOMYOPATHY, DILATED, WITH VENTRICULAR TACHYCARDIA. Identifiers: Orphanet 154, MedGen C1837839, MONDO:0012062, OMIM 608569.

Submission:

Labcorp Genetics (formerly Invitae), Labcorp
Classification: Uncertain significance for Dilated cardiomyopathy 1O. Last evaluated: 2022-09-13. Review status: criteria provided, single submitter. Criteria: Invitae Variant Classification Sherloc (09022015). Collection method: clinical testing. Allele origin: germline.
Comment: In summary, the available evidence is currently insufficient to determine the role of this variant in disease. Therefore, it has been classified as a Variant of Uncertain Significance. Algorithms developed to predict the effect of sequence changes on RNA splicing suggest that this variant may create or strengthen a splice site. Advanced modeling of protein sequence and biophysical properties (such as structural, functional, and spatial information, amino acid conservation, physicochemical variation, residue mobility, and thermodynamic stability) performed at Invitae indicates that this missense variant is not expected to disrupt ABCC9 protein function. This variant has not been reported in the literature in individuals affected with ABCC9-related conditions. This variant is not present in population databases (gnomAD no frequency). This sequence change replaces methionine, which is neutral and non-polar, with isoleucine, which is neutral and non-polar, at codon 971 of the ABCC9 protein (p.Met971Ile).

NM_020297.4(ABCC9):c.2913G>C (p.Met971Ile)

Gene: ABCC9 (ATP binding cassette subfamily C member 9; minus strand). Cytogenetic location: 12p12.1.
Variant type: single nucleotide variant.
Coding change: c.2913G>C on transcript NM_020297.4 (MANE Select); coding-DNA position 2913, G replaced by C.
Protein change: p.Met971Ile; replaces methionine 971 with isoleucine.
Molecular consequence: missense variant.
Genome position (GRCh38, 1-based): chr12:21,845,786, C>G on the plus strand (G>C on the coding strand, the complement: ABCC9 is on the minus strand). VCF-style: chr12-21845786-C-G. GRCh37 (hg19) VCF-style: chr12-21998720-C-G.
Other names: c.2913G>C, p.Met971Ile (NM_001377273.1, NM_005691.4); c.2046G>C, p.Met682Ile (NM_001377274.1); short protein forms M682I, M971I.
Identifiers: ClinVar variation 2086308 (VCV002086308.4), dbSNP rs2541080538, ClinGen allele CA384120497.